The following is an entry in ClinVar:

NM_000542.5(SFTPB):c.86C>A (p.Ser29Tyr)

Gene: SFTPB (surfactant protein B; minus strand). Cytogenetic location: 2p11.2.
Variant type: single nucleotide variant.
Coding change: c.86C>A on transcript NM_000542.5 (MANE Select); coding-DNA position 86, C replaced by A.
Protein change: p.Ser29Tyr; replaces serine 29 with tyrosine.
Molecular consequence: missense variant.
Genome position (GRCh38, 1-based): chr2:85,667,788, G>T on the plus strand (C>A on the coding strand, the complement: SFTPB is on the minus strand). VCF-style: chr2-85667788-G-T. GRCh37 (hg19) VCF-style: chr2-85894911-G-T.
Other names: c.86C>A, p.Ser29Tyr (NM_001367281.2, NM_198843.4); short protein forms S29Y.
Identifiers: ClinVar variation 4843845 (VCV004843845.1).
Genomic context (GRCh38, chr2:85,667,788, plus strand): 5'-CACTGCAATGCTTGCTCCAGGCTTTGGCACCAGAACTCAGGGCCCTGGGCACAGGCCAAG[G>T]ATGAGGTGGTCCAGGCAGCTGTGGTTTGGGGCCAGAGCAACCTTAATCAGGATCCAGGCT-3'
Protein context (NP_000533.4, residues 19-39): GPGTAAWTTS[Ser29Tyr]LACAQGPEFW

ClinVar aggregate classification (germline): Uncertain significance (1 of 4 stars; one submission).

Conditions:
Hereditary pulmonary alveolar proteinosis. Also called: Pulmonary surfactant metabolism dysfunction. Identifiers: Orphanet 264675, MedGen C3711368, MONDO:0012580.

Submission:

Ambry Genetics
Classification: Uncertain significance for Hereditary pulmonary alveolar proteinosis. Last evaluated: 2026-01-12. Review status: criteria provided, single submitter. Criteria: Ambry Variant Classification Scheme 2023. Collection method: clinical testing. Allele origin: germline.
Comment: The p.S41Y variant (also known as c.122C>A), located in coding exon 2 of the SFTPB gene, results from a C to A substitution at nucleotide position 122. The serine at codon 41 is replaced by tyrosine, an amino acid with dissimilar properties. This amino acid position is conserved. In addition, this alteration is predicted to be tolerated by in silico analysis. Based on the available evidence, the clinical significance of this variant remains unclear.